The following is an entry in ClinVar:

ClinVar aggregate classification (germline): Uncertain significance. Review status: criteria provided, multiple submitters, no conflicts (2 of 4 stars). 2 submissions from 2 submitters: Uncertain significance (2). Last evaluated 2024-05-21.

Conditions:
Chédiak-Higashi syndrome (CHS). Also called: Chediak-Higashi Syndrome. Identifiers: Orphanet 167, MedGen C0007965, MONDO:0008963, OMIM 214500.

Submissions (2):

Mayo Clinic Laboratories, Mayo Clinic
Classification: Uncertain significance. Last evaluated: 2024-05-21. Review status: criteria provided, single submitter. Criteria: ACMG Guidelines, 2015. Collection method: clinical testing. Allele origin: germline. Observed: 1 variant allele.
Comment: PM2_moderate, PM4

Labcorp Genetics (formerly Invitae), Labcorp
Classification: Uncertain significance for Chédiak-Higashi syndrome. Last evaluated: 2021-08-31. Review status: criteria provided, single submitter. Criteria: Invitae Variant Classification Sherloc (09022015). Collection method: clinical testing. Allele origin: germline.
Comment: This variant, c.3608_3610del, results in the deletion of 1 amino acid(s) of the LYST protein (p.Glu1203del), but otherwise preserves the integrity of the reading frame. This variant is not present in population databases (ExAC no frequency). This variant has not been reported in the literature in individuals affected with LYST-related conditions. Experimental studies and prediction algorithms are not available or were not evaluated, and the functional significance of this variant is currently unknown. In summary, the available evidence is currently insufficient to determine the role of this variant in disease. Therefore, it has been classified as a Variant of Uncertain Significance.

NM_000081.4(LYST):c.3605AAG[1] (p.Glu1203del)

Gene: LYST (lysosomal trafficking regulator; minus strand). Cytogenetic location: 1q42.3.
Variant type: Microsatellite.
Coding change: c.3605AAG[1] on transcript NM_000081.4 (MANE Select); one copy of the 3-base unit AAG starting at c.3605; the reference has two copies in a row; one copy, 3 bases deleted; also written c.3608_3610del.
Protein change: p.Glu1203del; deletes glutamic acid 1203.
Molecular consequence: inframe deletion.
Genome position (GRCh38, 1-based): chr1:235,803,010-235,803,012, CTT deleted on the plus strand (AAG on the coding strand, the reverse complement: LYST is on the minus strand); deleting any 3 consecutive bases within chr1:235,803,010-235,803,017 gives the same sequence; the position shown is the placement nearest the transcript's 3' end. VCF-style (leftmost placement, unchanged base first): chr1-235803009-GCTT-G. GRCh37 (hg19) VCF-style: chr1-235966309-GCTT-G.
Other names: p.Glu1203del; c.3605AAG[1], p.Glu1203del (NM_001301365.1); c.3608_3610del (NM_000081.4); short protein forms E1203del.
Identifiers: ClinVar variation 999159 (VCV000999159.7), dbSNP rs1482052738, ClinGen allele CA733160482.